The following is an entry in ClinVar:

ClinVar aggregate classification (germline): Likely benign. Review status: criteria provided, multiple submitters, no conflicts (2 of 4 stars). 6 submissions from 6 submitters: Likely benign (6). Last evaluated 2026-04-30.

Conditions:
Cardiovascular phenotype. Identifiers: MedGen CN230736.
Hypertrophic cardiomyopathy. Also called: HYPERTROPHIC MYOCARDIOPATHY. Identifiers: Orphanet 217569, MedGen C0007194, MeSH D002312, MONDO:0005045, HP:0001639.
Cardiomyopathy (CMYO). Also called: Cardiomyopathies. Identifiers: Orphanet 167848, MedGen C0878544, MONDO:0004994, HP:0001638. Inheritance: Various modes of inheritance.

Allele frequency attached by ClinVar (database versions not stated): gnomAD below 0.00001 and 0.00001; gnomAD exomes below 0.00001 and 0.00001; TOPMed 0.00002.
gnomAD v4.1: 16 of 1,614,150 alleles (0.00099%); highest among the groups gnomAD compares: South Asian, 0.013%; no homozygotes.

Submissions (6):

Ambry Genetics
Classification: Likely benign for Cardiovascular phenotype. Last evaluated: 2026-04-30. Review status: criteria provided, single submitter. Criteria: Ambry Variant Classification Scheme 2023. Collection method: clinical testing. Allele origin: germline.

Labcorp Genetics (formerly Invitae), Labcorp
Classification: Likely benign for Hypertrophic cardiomyopathy. Last evaluated: 2025-10-17. Review status: criteria provided, single submitter. Criteria: Invitae Variant Classification Sherloc (09022015). Collection method: clinical testing. Allele origin: germline.

Blueprint Genetics
Classification: Likely benign. Last evaluated: 2024-09-04. Review status: criteria provided, single submitter. Criteria: ACMG Guidelines, 2015. Collection method: clinical testing. Allele origin: germline.

All of Us Research Program, National Institutes of Health
Classification: Likely benign for Cardiomyopathy. Last evaluated: 2023-12-18. Review status: criteria provided, single submitter. Criteria: ACMG Guidelines, 2015. Collection method: clinical testing. Allele origin: germline. Inheritance: Autosomal dominant inheritance. Observed: 2 variant alleles, 2 heterozygotes.
Comment: This study involves interpretation of variants in research participants for the purpose of population health screening. Participant phenotype was not available at the time of variant classification. Additional details can be found in publication PMID: 35346344, PMCID: PMC8962531

Color Diagnostics, LLC DBA Color Health
Classification: Likely benign for Cardiomyopathy. Last evaluated: 2022-11-06. Review status: criteria provided, single submitter. Criteria: ACMG Guidelines, 2015. Collection method: clinical testing. Allele origin: germline.

GeneDx
Classification: Likely benign. Last evaluated: 2017-08-24. Review status: criteria provided, single submitter. Criteria: GeneDx Variant Classification (06012015). Collection method: clinical testing. Allele origin: germline. Affected: yes.
Comment: This variant is considered likely benign or benign based on one or more of the following criteria: it is a conservative change, it occurs at a poorly conserved position in the protein, it is predicted to be benign by multiple in silico algorithms, and/or has population frequency not consistent with disease.

NM_000257.4(MYH7):c.627G>A (p.Gln209=)

Gene: MYH7 (myosin heavy chain 7; minus strand). Cytogenetic location: 14q11.2.
Variant type: single nucleotide variant.
Coding change: c.627G>A on transcript NM_000257.4 (MANE Select); coding-DNA position 627, G replaced by A.
Protein change: p.Gln209=; no amino-acid change (glutamine 209 retained).
Molecular consequence: synonymous variant.
Genome position (GRCh38, 1-based): chr14:23,431,773, C>T on the plus strand (G>A on the coding strand, the complement: MYH7 is on the minus strand). VCF-style: chr14-23431773-C-T. GRCh37 (hg19) VCF-style: chr14-23900982-C-T.
Other names: c.627G>A (LRG_384t1).
Identifiers: ClinVar variation 511726 (VCV000511726.13), dbSNP rs955983170, ClinGen allele CA257826030.
Genomic context (GRCh38, chr14:23,431,773, plus strand): 5'-TCTCCCTCCCTTTCTGCGGTACAGGACCTTGGAGGGCAGCAGGCCTACCTTGCCCGGGCT[C>T]TGGTCCTTCTTGCTGCGGTCCCCAATGGCTGCAATAACAGCAAAGTACTGGATGACCCTC-3'
Protein context (NP_000248.2, residues 199-219): AAIGDRSKKD[Gln209=]SPGKGTLEDQ